The following is an entry in ClinVar:

ClinVar aggregate classification (germline): Likely benign (0 of 4 stars; one submission).

Conditions:
COL8A1-related disorder. Also called: COL8A1-related condition.

Allele frequency attached by ClinVar (database versions not stated): ESP Exome Variant Server 0.00008; gnomAD 0.00013; gnomAD exomes 0.00018; TOPMed 0.00029; ExAC 0.00034; 1000 Genomes Project 30x 0.00094; 1000 Genomes Project 0.00100.
gnomAD v4.1: 270 of 1,613,336 alleles (0.017%); highest among the groups gnomAD compares: East Asian, 0.55%; no homozygotes.

Submission:

PreventionGenetics, part of Exact Sciences
Classification: Likely benign for COL8A1-related condition. Last evaluated: 2019-06-21. Review status: no assertion criteria provided. Collection method: clinical testing. Allele origin: germline.
Comment: This variant is classified as likely benign based on ACMG/AMP sequence variant interpretation guidelines (Richards et al. 2015 PMID: 25741868, with internal and published modifications).

NM_020351.4(COL8A1):c.287C>T (p.Ala96Val)

Gene: COL8A1 (collagen type VIII alpha 1 chain; plus strand). Cytogenetic location: 3q12.1.
Variant type: single nucleotide variant.
Coding change: c.287C>T on transcript NM_020351.4 (MANE Select); coding-DNA position 287, C replaced by T.
Protein change: p.Ala96Val; replaces alanine 96 with valine.
Molecular consequence: missense variant.
Genome position (GRCh38, 1-based): chr3:99,790,969, C>T. VCF-style: chr3-99790969-C-T. GRCh37 (hg19) VCF-style: chr3-99509813-C-T.
Other names: c.287C>T, p.Ala96Val (NM_001850.5); short protein forms A96V.
Identifiers: ClinVar variation 3042627 (VCV003042627.2), dbSNP rs144518762, ClinGen allele CA2512831.